The following is an entry in ClinVar:

NM_001165963.4(SCN1A):c.4002+2130T>C

Genes: SCN1A (sodium voltage-gated channel alpha subunit 1; minus strand), LOC102724058 (uncharacterized LOC102724058; plus strand). Cytogenetic location: 2q24.3.
Variant type: single nucleotide variant.
Coding change: c.4002+2130T>C on transcript NM_001165963.4 (MANE Select); 2130 bases into the intron after coding-DNA position 4002, T replaced by C.
Molecular consequence: intron variant.
Genome position (GRCh38, 1-based): chr2:166,007,589, A>G on the plus strand (T>C on the coding strand, the complement: SCN1A is on the minus strand). VCF-style: chr2-166007589-A-G. GRCh37 (hg19) VCF-style: chr2-166864099-A-G.
Other names: c.3969+2130T>C (NM_001353949.2, NM_001353950.2, NM_001353951.2 and 2 more transcripts); c.3918+2130T>C (NM_001353958.2, NM_001353957.2, NM_001165964.3); c.4002+2130T>C (NM_001202435.3, NM_001353948.2); c.3966+2130T>C (NM_001353955.2, NM_001353954.2); c.3915+2130T>C (NM_001353960.2); c.1560+2130T>C (NM_001353961.2).
Identifiers: ClinVar variation 2799786 (VCV002799786.3), dbSNP rs2468474091, ClinGen allele CA2739271481.

ClinVar aggregate classification (germline): Uncertain significance (1 of 4 stars; one submission).

Conditions:
Early-infantile DEE. Also called: Early infantile epileptic encephalopathy; Early infantile epileptic encephalopathy with suppression bursts; Ohtahara syndrome. Identifiers: Orphanet 1934, MedGen C0393706, MONDO:0800491.

Submission:

Labcorp Genetics (formerly Invitae), Labcorp
Classification: Uncertain significance for Early-infantile DEE. Last evaluated: 2025-04-08. Review status: criteria provided, single submitter. Criteria: Invitae Variant Classification Sherloc (09022015). Collection method: clinical testing. Allele origin: germline.
Comment: This sequence change falls in intron 20 of the SCN1A gene. It does not directly change the encoded amino acid sequence of the SCN1A protein. However, this sequence change falls within a region encompassing a cryptic exon in the SCN1A gene, in which variants have been shown to alter splicing (PMID: 30526861, 34107977). This variant is not present in population databases (gnomAD no frequency). This variant has not been reported in the literature in individuals affected with SCN1A-related conditions. ClinVar contains an entry for this variant (Variation ID: 2799786). Algorithms developed to predict the effect of sequence changes on RNA splicing suggest that this variant is not likely to affect RNA splicing. In summary, the available evidence is currently insufficient to determine the role of this variant in disease. Therefore, it has been classified as a Variant of Uncertain Significance.

Literature cited by the submitters: PubMed 30526861; PubMed 34107977.